The following is an entry in ClinVar:

NM_012471.3(TRPC5):c.2854G>A (p.Glu952Lys)

Gene: TRPC5 (transient receptor potential cation channel subfamily C member 5; minus strand). Cytogenetic location: Xq23.
Variant type: single nucleotide variant.
Coding change: c.2854G>A on transcript NM_012471.3 (MANE Select); coding-DNA position 2854, G replaced by A.
Protein change: p.Glu952Lys; replaces glutamic acid 952 with lysine.
Molecular consequence: missense variant.
Genome position (GRCh38, 1-based): chrX:111,776,381, C>T on the plus strand (G>A on the coding strand, the complement: TRPC5 is on the minus strand). VCF-style: chrX-111776381-C-T. GRCh37 (hg19) VCF-style: chrX-111019609-C-T.
Other names: short protein forms E952K.
Identifiers: ClinVar variation 3348359 (VCV003348359.1).

ClinVar aggregate classification (germline): Uncertain significance (0 of 4 stars; one submission).

Conditions:
TRPC5-related disorder. Also called: TRPC5-related condition.

Submission:

PreventionGenetics, part of Exact Sciences
Classification: Uncertain significance for TRPC5-related condition. Last evaluated: 2024-01-02. Review status: no assertion criteria provided. Collection method: clinical testing. Allele origin: germline.
Comment: The TRPC5 c.2854G>A variant is predicted to result in the amino acid substitution p.Glu952Lys. To our knowledge, this variant has not been reported in the literature or in a large population database, indicating this variant is rare. At this time, the clinical significance of this variant is uncertain due to the absence of conclusive functional and genetic evidence.